The following is an entry in ClinVar:

ClinVar aggregate classification (germline): Uncertain significance. Review status: criteria provided, multiple submitters, no conflicts (2 of 4 stars). 2 submissions from 2 submitters: Uncertain significance (2). Last evaluated 2024-08-17.

Allele frequency attached by ClinVar (database versions not stated): gnomAD 0.00003; TOPMed 0.00005; ExAC 0.00008.
gnomAD v4.1: 41 of 1,522,650 alleles (0.0027%); highest among the groups gnomAD compares: East Asian, 0.068%; 1 homozygote.

Submissions (2):

Labcorp Genetics (formerly Invitae), Labcorp
Classification: Uncertain significance. Last evaluated: 2024-08-17. Review status: criteria provided, single submitter. Criteria: Invitae Variant Classification Sherloc (09022015). Collection method: clinical testing. Allele origin: germline.
Comment: This sequence change replaces valine, which is neutral and non-polar, with glycine, which is neutral and non-polar, at codon 366 of the LIPI protein (p.Val366Gly). This variant is present in population databases (rs749553448, gnomAD 0.1%), and has an allele count higher than expected for a pathogenic variant. This variant has not been reported in the literature in individuals affected with LIPI-related conditions. An algorithm developed to predict the effect of missense changes on protein structure and function (PolyPhen-2) suggests that this variant is likely to be tolerated. In summary, the available evidence is currently insufficient to determine the role of this variant in disease. Therefore, it has been classified as a Variant of Uncertain Significance.

Ambry Genetics
Classification: Uncertain significance. Last evaluated: 2024-04-08. Review status: criteria provided, single submitter. Criteria: Ambry Variant Classification Scheme 2023. Collection method: clinical testing. Allele origin: germline.

NM_001302998.2(LIPI):c.1034T>G (p.Val345Gly)

Gene: LIPI (lipase I; minus strand). Cytogenetic location: 21q11.2.
Variant type: single nucleotide variant.
Coding change: c.1034T>G on transcript NM_001302998.2 (MANE Select); coding-DNA position 1034, T replaced by G.
Protein change: p.Val345Gly; replaces valine 345 with glycine.
Molecular consequence: missense variant. On other transcripts: intron variant (1).
Genome position (GRCh38, 1-based): chr21:14,152,657, A>C on the plus strand (T>G on the coding strand, the complement: LIPI is on the minus strand). VCF-style: chr21-14152657-A-C. GRCh37 (hg19) VCF-style: chr21-15524978-A-C.
Other names: c.944T>G, p.Val315Gly (NM_001302999.2); c.1016T>G, p.Val339Gly (NM_001303000.2); c.929T>G, p.Val310Gly (NM_001379565.1); c.539T>G, p.Val180Gly (NM_001379566.1); c.899T>G, p.Val300Gly (NM_198996.4); c.1006+10762T>G (NM_001303001.2); c.1097T>G (NM_198996.2); short protein forms V300G, V180G, V310G, V339G, V345G, V315G.
Identifiers: ClinVar variation 2851116 (VCV002851116.4), dbSNP rs749553448, ClinGen allele CA9979423.